The following is an entry in ClinVar:

NM_207122.2(EXT2):c.1777G>T (p.Val593Leu)

Gene: EXT2 (exostosin glycosyltransferase 2; plus strand). Cytogenetic location: 11p11.2.
Variant type: single nucleotide variant.
Coding change: c.1777G>T on transcript NM_207122.2 (MANE Select); coding-DNA position 1777, G replaced by T.
Protein change: p.Val593Leu; replaces valine 593 with leucine.
Molecular consequence: missense variant.
Genome position (GRCh38, 1-based): chr11:44,232,467, G>T. VCF-style: chr11-44232467-G-T. GRCh37 (hg19) VCF-style: chr11-44254017-G-T.
Other names: c.1876G>T, p.Val626Leu (NM_000401.3); c.1807G>T, p.Val603Leu (NM_001178083.3); c.1777G>T, p.Val593Leu (NM_001389628.1, NM_001389630.1); short protein forms V603L, V626L, V593L.
Identifiers: ClinVar variation 1954768 (VCV001954768.6), dbSNP rs1196840706, ClinGen allele CA380183068.

ClinVar aggregate classification (germline): Uncertain significance. Review status: criteria provided, multiple submitters, no conflicts (2 of 4 stars). 2 submissions from 2 submitters: Uncertain significance (2). Last evaluated 2023-08-08.

Conditions:
Exostoses, multiple, type 2 (EXT2). Also called: EXOSTOSES, MULTIPLE, TYPE II; Hereditary Multiple Osteochondromatosis, Type II. Identifiers: Orphanet 321, MedGen C1851413, MONDO:0007586, OMIM 133701.

Submissions (2):

Baylor Genetics
Classification: Uncertain significance for Exostoses, multiple, type 2. Last evaluated: 2023-08-08. Review status: criteria provided, single submitter. Criteria: ACMG Guidelines, 2015. Collection method: clinical testing. Allele origin: unknown.

Labcorp Genetics (formerly Invitae), Labcorp
Classification: Uncertain significance for Exostoses, multiple, type 2. Last evaluated: 2021-12-28. Review status: criteria provided, single submitter. Criteria: Invitae Variant Classification Sherloc (09022015). Collection method: clinical testing. Allele origin: germline.
Comment: This sequence change replaces valine, which is neutral and non-polar, with leucine, which is neutral and non-polar, at codon 593 of the EXT2 protein (p.Val593Leu). This variant is present in population databases (no rsID available, gnomAD 0.003%). This variant has not been reported in the literature in individuals affected with EXT2-related conditions. Algorithms developed to predict the effect of missense changes on protein structure and function (SIFT, PolyPhen-2, Align-GVGD) all suggest that this variant is likely to be disruptive. In summary, the available evidence is currently insufficient to determine the role of this variant in disease. Therefore, it has been classified as a Variant of Uncertain Significance.